The following is an entry in ClinVar:

NM_002427.4(MMP13):c.1052-1G>C

Gene: MMP13 (matrix metallopeptidase 13; minus strand). Cytogenetic location: 11q22.2.
Variant type: single nucleotide variant.
Coding change: c.1052-1G>C on transcript NM_002427.4 (MANE Select); the canonical splice acceptor site of the intron before coding-DNA position 1052, G replaced by C.
Molecular consequence: splice acceptor variant.
Genome position (GRCh38, 1-based): chr11:102,948,051, C>G on the plus strand (G>C on the coding strand, the complement: MMP13 is on the minus strand). VCF-style: chr11-102948051-C-G. GRCh37 (hg19) VCF-style: chr11-102818780-C-G.
Identifiers: ClinVar variation 1067180 (VCV001067180.10), dbSNP rs782613055, ClinGen allele CA6251794.

ClinVar aggregate classification (germline): Pathogenic/Likely pathogenic. Review status: criteria provided, multiple submitters, no conflicts (2 of 4 stars). 2 submissions from 2 submitters: Pathogenic (1); Likely pathogenic (1). Last evaluated 2024-09-19.

Allele frequency attached by ClinVar (database versions not stated): TOPMed below 0.00001; ExAC 0.00002; gnomAD exomes 0.00002 and 0.00001.
gnomAD v4.1: 8 of 1,612,848 alleles (0.0005%); highest among the groups gnomAD compares: Admixed American, 0.0067%; no homozygotes.

Submissions (2):

Labcorp Genetics (formerly Invitae), Labcorp
Classification: Likely pathogenic. Last evaluated: 2024-09-19. Review status: criteria provided, single submitter. Criteria: Invitae Variant Classification Sherloc (09022015). Collection method: clinical testing. Allele origin: germline.
Comment: This sequence change affects an acceptor splice site in intron 7 of the MMP13 gene. It is expected to disrupt RNA splicing. Variants that disrupt the donor or acceptor splice site typically lead to a loss of protein function (PMID: 16199547), and loss-of-function variants in MMP13 are known to be pathogenic (PMID: 24781753, 31413057). This variant is present in population databases (rs782613055, gnomAD 0.01%). This variant has not been reported in the literature in individuals affected with MMP13-related conditions. ClinVar contains an entry for this variant (Variation ID: 1067180). Algorithms developed to predict the effect of sequence changes on RNA splicing suggest that this variant may disrupt the consensus splice site. In summary, the currently available evidence indicates that the variant is pathogenic, but additional data are needed to prove that conclusively. Therefore, this variant has been classified as Likely Pathogenic.

Dasa
Classification: Pathogenic. Last evaluated: 2024-05-07. Review status: criteria provided, single submitter. Criteria: DASA Assertion Criteria. Collection method: clinical testing. Allele origin: germline.
Comment: NM_002427.4(MMP13):c.1052-1G>C affects a canonical splice site and is predicted to disrupt normal RNA splicing, leading to loss of normal protein function. Loss-of-function is an established mechanism of disease for this gene. Multiple computational predictions support a deleterious effect on the gene or gene product. The variant is present at low frequency in population datasets. Based on the available data, this variant is classified as pathogenic.

Literature cited by the submitters: PubMed 16199547 (cited by Labcorp Genetics (formerly Invitae), Labcorp); PubMed 24781753 (cited by Labcorp Genetics (formerly Invitae), Labcorp); PubMed 31413057 (cited by Labcorp Genetics (formerly Invitae), Labcorp).